The following is an entry in ClinVar:

ClinVar aggregate classification (germline): Pathogenic. Review status: criteria provided, multiple submitters, no conflicts (2 of 4 stars). 3 submissions from 3 submitters: Pathogenic (3). Last evaluated 2025-04-02.

Conditions:
Marfan syndrome (MFS). Also called: Marfan syndrome, classic; Marfan syndrome type 1; Marfan's syndrome; MARFAN SYNDROME, TYPE I; FBN1-Related Marfan Syndrome. Identifiers: Orphanet 284963, Orphanet 558, MedGen C0024796, MONDO:0007947, OMIM 154700.
Familial thoracic aortic aneurysm and aortic dissection (TAAD). Also called: Thoracic aortic aneurysms and dissections. Identifiers: Orphanet 91387, MedGen C4707243, MONDO:0019625.

Submissions (3):

GeneDx
Classification: Pathogenic. Last evaluated: 2025-04-02. Review status: criteria provided, single submitter. Criteria: GeneDx Variant Classification Process June 2021. Collection method: clinical testing. Allele origin: germline. Affected: yes.
Comment: Identified in patients with Marfan syndrome referred for genetic testing at GeneDx and in published literature (PMID: 28973303); Affects a cysteine residue within an EGF-like domain of the FBN1 gene, which may affect disulfide bonding and is predicted to alter the structure and function of the protein; cysteine substitutions in the EGF-like domains represent the majority of pathogenic missense changes associated with FBN1-related disorders (PMID: 12938084); Not observed at significant frequency in large population cohorts (gnomAD); In silico analysis supports that this missense variant has a deleterious effect on protein structure/function; This variant is associated with the following publications: (PMID: 12938084, 28973303)

Labcorp Genetics (formerly Invitae), Labcorp
Classification: Pathogenic for Marfan syndrome; Familial thoracic aortic aneurysm and aortic dissection. Last evaluated: 2024-06-12. Review status: criteria provided, single submitter. Criteria: Invitae Variant Classification Sherloc (09022015). Collection method: clinical testing. Allele origin: germline.
Comment: This sequence change replaces cysteine, which is neutral and slightly polar, with serine, which is neutral and polar, at codon 1389 of the FBN1 protein (p.Cys1389Ser). This variant is not present in population databases (gnomAD no frequency). This missense change has been observed in individuals with Marfan syndrome (PMID: 28973303; Invitae). ClinVar contains an entry for this variant (Variation ID: 406277). Advanced modeling of protein sequence and biophysical properties (such as structural, functional, and spatial information, amino acid conservation, physicochemical variation, residue mobility, and thermodynamic stability) performed at Invitae indicates that this missense variant is expected to disrupt FBN1 protein function with a positive predictive value of 95%. This variant affects a cysteine residue in the EGF-like, TGFBP or hybrid motif domains of FBN1. Cysteine residues are believed to be involved in intramolecular disulfide bridges and have been shown to be important for FBN1 protein structure (PMID: 16905551, 19349279). In addition, missense substitutions affecting cysteine residues within these domains are significantly overrepresented among patients with Marfan syndrome (PMID: 16571647, 17701892). This variant disrupts the p.Cys1389 amino acid residue in FBN1. Other variant(s) that disrupt this residue have been observed in individuals with FBN1-related conditions (PMID: 14695540, 28550590), which suggests that this may be a clinically significant amino acid residue. For these reasons, this variant has been classified as Pathogenic.

Mayo Clinic Laboratories, Mayo Clinic
Classification: Pathogenic. Last evaluated: 2023-03-30. Review status: criteria provided, single submitter. Criteria: ACMG Guidelines, 2015. Collection method: clinical testing. Allele origin: germline. Observed: 1 variant allele.
Comment: PP2, PP3, PM1_strong, PM2, PS4_supporting

Literature cited by the submitters: PubMed 28973303 (cited by Labcorp Genetics (formerly Invitae), Labcorp and Mayo Clinic Laboratories, Mayo Clinic); PubMed 16905551 (cited by Labcorp Genetics (formerly Invitae), Labcorp); PubMed 19349279 (cited by Labcorp Genetics (formerly Invitae), Labcorp); PubMed 16571647 (cited by Labcorp Genetics (formerly Invitae), Labcorp); PubMed 17701892 (cited by Labcorp Genetics (formerly Invitae), Labcorp); PubMed 14695540 (cited by Labcorp Genetics (formerly Invitae), Labcorp); PubMed 28550590 (cited by Labcorp Genetics (formerly Invitae), Labcorp).

NM_000138.5(FBN1):c.4166G>C (p.Cys1389Ser)

Gene: FBN1 (fibrillin 1; minus strand). Cytogenetic location: 15q21.1.
Variant type: single nucleotide variant.
Coding change: c.4166G>C on transcript NM_000138.5 (MANE Select); coding-DNA position 4166, G replaced by C.
Protein change: p.Cys1389Ser; replaces cysteine 1389 with serine.
Molecular consequence: missense variant.
Genome position (GRCh38, 1-based): chr15:48,474,299, C>G on the plus strand (G>C on the coding strand, the complement: FBN1 is on the minus strand). VCF-style: chr15-48474299-C-G. GRCh37 (hg19) VCF-style: chr15-48766496-C-G.
Other names: p.Cys1389Ser; short protein forms C1389S.
Identifiers: ClinVar variation 406277 (VCV000406277.12), dbSNP rs1060501026, ClinGen allele CA16614806.